The following is an entry in ClinVar:

ClinVar aggregate classification (germline): Uncertain significance (1 of 4 stars; one submission).

Conditions:
Ornithine aminotransferase deficiency (GACR). Also called: HYPERORNITHINEMIA WITH GYRATE ATROPHY OF CHOROID AND RETINA; Ornithine ketoacid aminotransferase deficiency; Gyrate atrophy; Gyrate atrophy of choroid and retina; Girate atrophy of the retina; OAT DEFICIENCY. Identifiers: Orphanet 414, MedGen C0018425, MONDO:0009796, OMIM 258870.

Submission:

Labcorp Genetics (formerly Invitae), Labcorp
Classification: Uncertain significance for Ornithine aminotransferase deficiency. Last evaluated: 2022-10-04. Review status: criteria provided, single submitter. Criteria: Invitae Variant Classification Sherloc (09022015). Collection method: clinical testing. Allele origin: germline.
Comment: In summary, the available evidence is currently insufficient to determine the role of this variant in disease. Therefore, it has been classified as a Variant of Uncertain Significance. Advanced modeling of protein sequence and biophysical properties (such as structural, functional, and spatial information, amino acid conservation, physicochemical variation, residue mobility, and thermodynamic stability) performed at Invitae indicates that this missense variant is expected to disrupt OAT protein function. This variant has not been reported in the literature in individuals affected with OAT-related conditions. This variant is not present in population databases (gnomAD no frequency). This sequence change replaces valine, which is neutral and non-polar, with glycine, which is neutral and non-polar, at codon 304 of the OAT protein (p.Val304Gly).

NM_000274.4(OAT):c.911T>G (p.Val304Gly)

Gene: OAT (ornithine aminotransferase; minus strand). Cytogenetic location: 10q26.13.
Variant type: single nucleotide variant.
Coding change: c.911T>G on transcript NM_000274.4 (MANE Select); coding-DNA position 911, T replaced by G.
Protein change: p.Val304Gly; replaces valine 304 with glycine.
Molecular consequence: missense variant.
Genome position (GRCh38, 1-based): chr10:124,401,829, A>C on the plus strand (T>G on the coding strand, the complement: OAT is on the minus strand). VCF-style: chr10-124401829-A-C. GRCh37 (hg19) VCF-style: chr10-126090398-A-C.
Other names: c.497T>G, p.Val166Gly (NM_001171814.2); c.911T>G, p.Val304Gly (NM_001322965.2, NM_001322966.2, NM_001322967.2 and 3 more transcripts); c.590T>G, p.Val197Gly (NM_001322971.2); c.311T>G, p.Val104Gly (NM_001322974.2); short protein forms V166G, V104G, V197G, V304G.
Identifiers: ClinVar variation 2081388 (VCV002081388.4), dbSNP rs886046810, ClinGen allele CA378634274.